The following is an entry in ClinVar:

ClinVar aggregate classification (germline): Uncertain significance. Review status: criteria provided, multiple submitters, no conflicts (2 of 4 stars). 2 submissions from 2 submitters: Uncertain significance (2). Last evaluated 2025-08-12.

Allele frequency attached by ClinVar (database versions not stated): TOPMed below 0.00001; gnomAD exomes 0.00001.
gnomAD v4.1: 9 of 1,614,088 alleles (0.00056%); highest among the groups gnomAD compares: Admixed American, 0.015%; no homozygotes.

Submissions (2):

Ambry Genetics
Classification: Uncertain significance. Last evaluated: 2025-08-12. Review status: criteria provided, single submitter. Criteria: Ambry Variant Classification Scheme 2023. Collection method: clinical testing. Allele origin: germline.

Labcorp Genetics (formerly Invitae), Labcorp
Classification: Uncertain significance. Last evaluated: 2025-07-27. Review status: criteria provided, single submitter. Criteria: Invitae Variant Classification Sherloc (09022015). Collection method: clinical testing. Allele origin: germline.
Comment: This sequence change replaces proline, which is neutral and non-polar, with serine, which is neutral and polar, at codon 974 of the KANK4 protein (p.Pro974Ser). This variant is present in population databases (no rsID available, gnomAD 0.003%). This variant has not been reported in the literature in individuals affected with KANK4-related conditions. ClinVar contains an entry for this variant (Variation ID: 2955720). An algorithm developed to predict the effect of missense changes on protein structure and function (PolyPhen-2) suggests that this variant is likely to be tolerated. In summary, the available evidence is currently insufficient to determine the role of this variant in disease. Therefore, it has been classified as a Variant of Uncertain Significance.

NM_181712.5(KANK4):c.2920C>T (p.Pro974Ser)

Gene: KANK4 (KN motif and ankyrin repeat domains 4; minus strand). Cytogenetic location: 1p31.3.
Variant type: single nucleotide variant.
Coding change: c.2920C>T on transcript NM_181712.5 (MANE Select); coding-DNA position 2920, C replaced by T.
Protein change: p.Pro974Ser; replaces proline 974 with serine.
Molecular consequence: missense variant.
Genome position (GRCh38, 1-based): chr1:62,238,345, G>A on the plus strand (C>T on the coding strand, the complement: KANK4 is on the minus strand). VCF-style: chr1-62238345-G-A. GRCh37 (hg19) VCF-style: chr1-62704017-G-A.
Other names: c.1036C>T, p.Pro346Ser (NM_001320269.2); c.2920C>T (NM_181712.4); short protein forms P974S, P346S.
Identifiers: ClinVar variation 2955720 (VCV002955720.4), dbSNP rs1386080589, ClinGen allele CA340597851.
Genomic context (GRCh38, chr1:62,238,345, plus strand): 5'-CCAGGGACCTGCCCTGCTCCGCGTGGGCTCTCAGAAGCCCAGCAATTTCCATATGGGTGG[G>A]TGACTTCAGAGCGATGGACAAAGCTGTGCGGCCAGCCTACAGGAGAAAAAGGAAAGAAGA-3'
Protein context (NP_859063.3, residues 964-984): RTALSIALKS[Pro974Ser]THMEIAGLLR